The following is an entry in ClinVar:

NM_004446.3(EPRS1):c.4018C>T (p.Arg1340Cys)

Gene: EPRS1 (glutamyl-prolyl-tRNA synthetase 1; minus strand). Cytogenetic location: 1q41.
Variant type: single nucleotide variant.
Coding change: c.4018C>T on transcript NM_004446.3 (MANE Select); coding-DNA position 4018, C replaced by T.
Protein change: p.Arg1340Cys; replaces arginine 1340 with cysteine.
Molecular consequence: missense variant.
Genome position (GRCh38, 1-based): chr1:219,978,611, G>A on the plus strand (C>T on the coding strand, the complement: EPRS1 is on the minus strand). VCF-style: chr1-219978611-G-A. GRCh37 (hg19) VCF-style: chr1-220151953-G-A.
Other names: short protein forms R1340C.
Identifiers: ClinVar variation 1680861 (VCV001680861.6), dbSNP rs143796513, ClinGen allele CA1399526.
Genomic context (GRCh38, chr1:219,978,611, plus strand): 5'-GCTCCCAGTGATTGAATTTCCAACCTGGAGAATAATTATCTCGTAAATCAGCTCTAACGC[G>A]GATGTTAACACTGAGTAATCGCCTTCGATAATCATTGCATTTTGCAATCAGCGCTTCTTT-3'
Protein context (NP_004437.2, residues 1330-1350): YRRRLLSVNI[Arg1340Cys]VRADLRDNYS

ClinVar aggregate classification (germline): Uncertain significance (1 of 4 stars; one submission).

Allele frequency attached by ClinVar (database versions not stated): ExAC 0.00002; gnomAD exomes 0.00004; ESP Exome Variant Server 0.00008.
gnomAD v4.1: 43 of 1,608,440 alleles (0.0027%); highest among the groups gnomAD compares: Admixed American, 0.02%; no homozygotes.

Submission:

Labcorp Genetics (formerly Invitae), Labcorp
Classification: Uncertain significance. Last evaluated: 2023-08-10. Review status: criteria provided, single submitter. Criteria: Invitae Variant Classification Sherloc (09022015). Collection method: clinical testing. Allele origin: germline.
Comment: ClinVar contains an entry for this variant (Variation ID: 1680861). This variant has not been reported in the literature in individuals affected with EPRS-related conditions. This variant is present in population databases (rs143796513, gnomAD 0.02%). This sequence change replaces arginine, which is basic and polar, with cysteine, which is neutral and slightly polar, at codon 1340 of the EPRS protein (p.Arg1340Cys). In summary, the available evidence is currently insufficient to determine the role of this variant in disease. Therefore, it has been classified as a Variant of Uncertain Significance. An algorithm developed to predict the effect of missense changes on protein structure and function (PolyPhen-2) suggests that this variant is likely to be disruptive.